The following is an entry in ClinVar:

ClinVar aggregate classification (germline): Uncertain significance. Review status: criteria provided, multiple submitters, no conflicts (2 of 4 stars). 2 submissions from 2 submitters: Uncertain significance (2). Last evaluated 2026-09-01.

Conditions:
Ehlers-Danlos syndrome, classic type, 1 (EDSCL1). Also called: Ehlers-Danlos syndrome, type 1; Ehlers-Danlos Syndrome, Classic Type, COL5A1-Related; EDS I; EHLERS-DANLOS SYNDROME, GRAVIS TYPE; EHLERS-DANLOS SYNDROME, SEVERE CLASSIC TYPE. Identifiers: MedGen C0268335, MONDO:0019567, OMIM 130000.
Familial thoracic aortic aneurysm and aortic dissection (TAAD). Also called: Thoracic aortic aneurysms and dissections. Identifiers: Orphanet 91387, MedGen C4707243, MONDO:0019625.

Allele frequency attached by ClinVar (database versions not stated): gnomAD 0.00001; gnomAD exomes 0.00001.
gnomAD v4.1: 7 of 1,296,196 alleles (0.00054%); highest among the groups gnomAD compares: South Asian, 0.0046%; no homozygotes.

Submissions (2):

Ambry Genetics
Classification: Uncertain significance for Familial thoracic aortic aneurysm and aortic dissection. Last evaluated: 2026-09-01. Review status: criteria provided, single submitter. Criteria: Ambry Variant Classification Scheme 2023. Collection method: clinical testing. Allele origin: germline.

Labcorp Genetics (formerly Invitae), Labcorp
Classification: Uncertain significance for Ehlers-Danlos syndrome, classic type, 1. Last evaluated: 2025-09-15. Review status: criteria provided, single submitter. Criteria: Invitae Variant Classification Sherloc (09022015). Collection method: clinical testing. Allele origin: germline.
Comment: This sequence change replaces arginine, which is basic and polar, with cysteine, which is neutral and slightly polar, at codon 14 of the COL5A1 protein (p.Arg14Cys). This variant is not present in population databases (gnomAD no frequency). This variant has not been reported in the literature in individuals affected with COL5A1-related conditions. ClinVar contains an entry for this variant (Variation ID: 1934888). Invitae Evidence Modeling of protein sequence and biophysical properties (such as structural, functional, and spatial information, amino acid conservation, physicochemical variation, residue mobility, and thermodynamic stability) indicates that this missense variant is not expected to disrupt COL5A1 protein function with a negative predictive value of 95%. In summary, the available evidence is currently insufficient to determine the role of this variant in disease. Therefore, it has been classified as a Variant of Uncertain Significance.

NM_000093.5(COL5A1):c.40C>T (p.Arg14Cys)

Gene: COL5A1 (collagen type V alpha 1 chain; plus strand). Cytogenetic location: 9q34.3.
Variant type: single nucleotide variant.
Coding change: c.40C>T on transcript NM_000093.5 (MANE Select); coding-DNA position 40, C replaced by T.
Protein change: p.Arg14Cys; replaces arginine 14 with cysteine.
Molecular consequence: missense variant.
Genome position (GRCh38, 1-based): chr9:134,642,227, C>T. VCF-style: chr9-134642227-C-T. GRCh37 (hg19) VCF-style: chr9-137534073-C-T.
Other names: c.40C>T (NM_000093.3); c.40C>T, p.Arg14Cys (NM_001278074.1); short protein forms R14C.
Identifiers: ClinVar variation 1934888 (VCV001934888.6), dbSNP rs1831314080, ClinGen allele CA375443839.